The following is an entry in ClinVar:

NM_181486.4(TBX5):c.246del (p.Met83fs)

Gene: TBX5 (T-box transcription factor 5; minus strand). Cytogenetic location: 12q24.21.
Variant type: Deletion.
Coding change: c.246del on transcript NM_181486.4 (MANE Select); coding-DNA position 246, one base deleted (G; older notation c.246delG).
Protein change: p.Met83fs; shifts the reading frame from methionine 83.
Molecular consequence: frameshift variant.
Genome position (GRCh38, 1-based): chr12:114,399,629, C deleted on the plus strand (G on the coding strand, the reverse complement: TBX5 is on the minus strand); the first of 2 consecutive C bases (chr12:114,399,629-114,399,630); deleting either gives the same sequence. VCF-style (leftmost placement, unchanged base first): chr12-114399628-TC-T. GRCh37 (hg19) VCF-style: chr12-114837433-TC-T.
Other names: c.246del, p.Met83fs (NM_000192.3); c.96del, p.Met33fs (NM_080717.4); short protein forms M33fs, M83fs.
Identifiers: ClinVar variation 862164 (VCV000862164.7), dbSNP rs1871673161, ClinGen allele CA916082354.

ClinVar aggregate classification (germline): Pathogenic (1 of 4 stars; one submission).

Conditions:
Aortic valve disease 2 (AOVD2). Identifiers: MedGen C3542024, MONDO:0013902, OMIM 614823.

Submission:

Labcorp Genetics (formerly Invitae), Labcorp
Classification: Pathogenic for Aortic valve disease 2. Last evaluated: 2025-06-26. Review status: criteria provided, single submitter. Criteria: Invitae Variant Classification Sherloc (09022015). Collection method: clinical testing. Allele origin: germline.
Comment: This sequence change creates a premature translational stop signal (p.Met83Cysfs*7) in the TBX5 gene. It is expected to result in an absent or disrupted protein product. Loss-of-function variants in TBX5 are known to be pathogenic (PMID: 16183809, 16917909). This variant is not present in population databases (gnomAD no frequency). This variant has not been reported in the literature in individuals affected with TBX5-related conditions. ClinVar contains an entry for this variant (Variation ID: 862164). For these reasons, this variant has been classified as Pathogenic.

Literature cited by the submitters: PubMed 16183809; PubMed 16917909.